The following is an entry in ClinVar:

NM_016277.5(RAB23):c.575-2A>C

Gene: RAB23 (RAB23, member RAS oncogene family; minus strand). Cytogenetic location: 6p12.1.
Variant type: single nucleotide variant.
Coding change: c.575-2A>C on transcript NM_016277.5 (MANE Select); the canonical splice acceptor site of the intron before coding-DNA position 575, A replaced by C.
Molecular consequence: splice acceptor variant.
Genome position (GRCh38, 1-based): chr6:57,190,602, T>G on the plus strand (A>C on the coding strand, the complement: RAB23 is on the minus strand). VCF-style: chr6-57190602-T-G. GRCh37 (hg19) VCF-style: chr6-57055400-T-G.
Other names: c.575-2A>C (NM_001278666.2, NM_001278667.2, NM_001278668.2 and 1 more transcripts).
Identifiers: ClinVar variation 4817036 (VCV004817036.1).

ClinVar aggregate classification (germline): Likely pathogenic (1 of 4 stars; one submission).

Conditions:
RAB23-related Carpenter syndrome. Also called: Carpenter syndrome 1; ACPS II. Identifiers: Orphanet 65759, MedGen C4551510, MONDO:0008710, OMIM 201000.

Submission:

Natera, Inc.
Classification: Likely pathogenic for Carpenter syndrome 1. Last evaluated: 2025-07-28. Review status: criteria provided, single submitter. Criteria: Natera Variant Classification Schema (03/2026). Collection method: clinical testing. Allele origin: germline.
Comment: The c.575-2A>C variant in RAB23 is a canonical splice acceptor site variant predicted to affect pre-mRNA splicing, which may result in an abnormal transcript and altered protein product. This variant is expected to result in nonsense mediated decay, truncation, or a dysfunctional protein product. This variant is rare in the general population with a frequency below the threshold expected for the associated phenotype(s). Given the available evidence, this variant is classified as Likely Pathogenic.